The following is an entry in ClinVar:

ClinVar aggregate classification (germline): Uncertain significance (1 of 4 stars; one submission).

Submission:

Labcorp Genetics (formerly Invitae), Labcorp
Classification: Uncertain significance. Last evaluated: 2025-11-11. Review status: criteria provided, single submitter. Criteria: Invitae Variant Classification Sherloc (09022015). Collection method: clinical testing. Allele origin: germline.
Comment: This sequence change replaces proline, which is neutral and non-polar, with alanine, which is neutral and non-polar, at codon 858 of the MKL1 protein (p.Pro858Ala). This variant is not present in population databases (gnomAD no frequency). This variant has not been reported in the literature in individuals affected with MKL1-related conditions. An algorithm developed to predict the effect of missense changes on protein structure and function (PolyPhen-2) suggests that this variant is likely to be disruptive. In summary, the available evidence is currently insufficient to determine the role of this variant in disease. Therefore, it has been classified as a Variant of Uncertain Significance.

NM_020831.6(MRTFA):c.2872C>G (p.Pro958Ala)

Gene: MRTFA (myocardin related transcription factor A; minus strand). Cytogenetic location: 22q13.1.
Variant type: single nucleotide variant.
Coding change: c.2872C>G on transcript NM_020831.6 (MANE Select); coding-DNA position 2872, C replaced by G.
Protein change: p.Pro958Ala; replaces proline 958 with alanine.
Molecular consequence: missense variant. On other transcripts: 3 prime UTR variant (1).
Genome position (GRCh38, 1-based): chr22:40,411,614, G>C on the plus strand (C>G on the coding strand, the complement: MRTFA is on the minus strand). VCF-style: chr22-40411614-G-C. GRCh37 (hg19) VCF-style: chr22-40807618-G-C.
Other names: c.2572C>G, p.Pro858Ala (NM_001282660.2); c.2722C>G, p.Pro908Ala (NM_001282661.3); c.*185C>G (NM_001282662.3); c.2677C>G, p.Pro893Ala (NM_001318139.2); short protein forms P858A, P893A, P908A, P958A.
Identifiers: ClinVar variation 4811743 (VCV004811743.1).